The following is an entry in ClinVar:

ClinVar aggregate classification (germline): Conflicting classifications of pathogenicity. Review status: criteria provided, conflicting classifications (1 of 4 stars). 2 submissions from 2 submitters: Uncertain significance (1); Likely benign (1). Last evaluated 2025-09-11.

Allele frequency attached by ClinVar (database versions not stated): ExAC 0.00001.

Submissions (2):

Ambry Genetics
Classification: Likely benign. Last evaluated: 2025-09-11. Review status: criteria provided, single submitter. Criteria: Ambry Variant Classification Scheme 2023. Collection method: clinical testing. Allele origin: germline.

Labcorp Genetics (formerly Invitae), Labcorp
Classification: Uncertain significance. Last evaluated: 2022-02-23. Review status: criteria provided, single submitter. Criteria: Invitae Variant Classification Sherloc (09022015). Collection method: clinical testing. Allele origin: germline.
Comment: In summary, the available evidence is currently insufficient to determine the role of this variant in disease. Therefore, it has been classified as a Variant of Uncertain Significance. Algorithms developed to predict the effect of sequence changes on RNA splicing suggest that this variant may create or strengthen a splice site. Algorithms developed to predict the effect of missense changes on protein structure and function output the following: SIFT: "Tolerated"; PolyPhen-2: "Benign"; Align-GVGD: "Class C0". The isoleucine amino acid residue is found in multiple mammalian species, which suggests that this missense change does not adversely affect protein function. This variant has not been reported in the literature in individuals affected with SLC7A14-related conditions. This variant is present in population databases (rs780859734, gnomAD 0.01%). This sequence change replaces valine, which is neutral and non-polar, with isoleucine, which is neutral and non-polar, at codon 337 of the SLC7A14 protein (p.Val337Ile).

NM_020949.3(SLC7A14):c.1009G>A (p.Val337Ile)

Genes: SLC7A14 (solute carrier family 7 member 14; minus strand), SLC7A14-AS1 (SLC7A14 antisense RNA 1; plus strand). Cytogenetic location: 3q26.2.
Variant type: single nucleotide variant.
Coding change: c.1009G>A on transcript NM_020949.3 (MANE Select); coding-DNA position 1009, G replaced by A.
Protein change: p.Val337Ile; replaces valine 337 with isoleucine.
Molecular consequence: missense variant.
Genome position (GRCh38, 1-based): chr3:170,483,420, C>T on the plus strand (G>A on the coding strand, the complement: SLC7A14 is on the minus strand). VCF-style: chr3-170483420-C-T. GRCh37 (hg19) VCF-style: chr3-170201209-C-T.
Other names: c.1009G>A (NM_020949.2); short protein forms V337I.
Identifiers: ClinVar variation 2166994 (VCV002166994.5), dbSNP rs780859734, ClinGen allele CA2701746.